The following is an entry in ClinVar:

ClinVar aggregate classification (germline): Uncertain significance (1 of 4 stars; one submission).

Conditions:
Cornelia de Lange syndrome 1 (CDLS1). Also called: NIPBL-Related Cornelia de Lange Syndrome; TYPUS DEGENERATIVUS AMSTELODAMENSIS; Brachmann de Lange syndrome. Identifiers: Orphanet 199, MedGen C4551851, MONDO:0007387, OMIM 122470.

gnomAD v4.1: 4 of 1,609,044 alleles (0.00025%); highest among the groups gnomAD compares: South Asian, 0.0033%; 1 homozygote.

Submission:

Labcorp Genetics (formerly Invitae), Labcorp
Classification: Uncertain significance for Cornelia de Lange syndrome 1. Last evaluated: 2024-04-01. Review status: criteria provided, single submitter. Criteria: Invitae Variant Classification Sherloc (09022015). Collection method: clinical testing. Allele origin: germline.
Comment: This sequence change falls in intron 35 of the NIPBL gene. It does not directly change the encoded amino acid sequence of the NIPBL protein. This variant is not present in population databases (gnomAD no frequency). This variant has not been reported in the literature in individuals affected with NIPBL-related conditions. Algorithms developed to predict the effect of sequence changes on RNA splicing suggest that this variant may disrupt the consensus splice site. In summary, the available evidence is currently insufficient to determine the role of this variant in disease. Therefore, it has been classified as a Variant of Uncertain Significance.

NM_133433.4(NIPBL):c.6250-10T>C

Gene: NIPBL (NIPBL cohesin loading factor; plus strand). Cytogenetic location: 5p13.2.
Variant type: single nucleotide variant.
Coding change: c.6250-10T>C on transcript NM_133433.4 (MANE Select); 10 bases into the intron before coding-DNA position 6250, T replaced by C.
Molecular consequence: intron variant.
Genome position (GRCh38, 1-based): chr5:37,044,626, T>C. VCF-style: chr5-37044626-T-C. GRCh37 (hg19) VCF-style: chr5-37044728-T-C.
Other names: c.6250-10T>C (NM_015384.5).
Identifiers: ClinVar variation 3644780 (VCV003644780.2).